The following is an entry in ClinVar:

NM_000052.7(ATP7A):c.3952A>G (p.Ile1318Val)

Gene: ATP7A (ATPase copper transporting alpha; plus strand). Cytogenetic location: Xq21.1.
Variant type: single nucleotide variant.
Coding change: c.3952A>G on transcript NM_000052.7 (MANE Select); coding-DNA position 3952, A replaced by G.
Protein change: p.Ile1318Val; replaces isoleucine 1318 with valine.
Molecular consequence: missense variant. On other transcripts: non-coding transcript variant (1).
Genome position (GRCh38, 1-based): chrX:78,042,735, A>G. VCF-style: chrX-78042735-A-G. GRCh37 (hg19) VCF-style: chrX-77298233-A-G.
Other names: p.Ile1318Val; c.3718A>G, p.Ile1240Val (NM_001282224.2); short protein forms I1240V, I1318V.
Identifiers: ClinVar variation 2156598 (VCV002156598.2), dbSNP rs2149111836, ClinGen allele CA413605331.

ClinVar aggregate classification (germline): Uncertain significance. Review status: criteria provided, multiple submitters, no conflicts (2 of 4 stars). 2 submissions from 2 submitters: Uncertain significance (2). Last evaluated 2023-09-06.

Conditions:
Menkes kinky-hair syndrome (MNK). Also called: Copper transport disease; Menkes Disease; Classic Menkes Disease. Identifiers: Orphanet 565, MedGen C0022716, MONDO:0010651, OMIM 309400.
Cutis laxa, X-linked (OHS). Also called: EDS IX; Occipital horn syndrome. Identifiers: Orphanet 198, MedGen C0268353, MONDO:0010572, OMIM 304150.
X-linked distal spinal muscular atrophy type 3. Also called: SPINAL MUSCULAR ATROPHY, DISTAL, X-LINKED RECESSIVE; NEURONOPATHY, DISTAL HEREDITARY MOTOR, X-LINKED; NEUROPATHY, DISTAL HEREDITARY MOTOR, X-LINKED; ATP7A-Related Distal Motor Neuropathy. Identifiers: Orphanet 139557, MedGen C1845359, MONDO:0010338, OMIM 300489.

Allele frequency attached by ClinVar (database versions not stated): gnomAD exomes 0.00001.
gnomAD v4.1: 9 of 1,211,752 alleles (0.00074%); highest among the groups gnomAD compares: Non-Finnish European, 0.00089%; no homozygotes.

Submissions (2):

Mayo Clinic Laboratories, Mayo Clinic
Classification: Uncertain significance. Last evaluated: 2023-09-06. Review status: criteria provided, single submitter. Criteria: ACMG Guidelines, 2015. Collection method: clinical testing. Allele origin: germline. Observed: 1 variant allele.
Comment: PP3, PM2

Labcorp Genetics (formerly Invitae), Labcorp
Classification: Uncertain significance for X-linked distal spinal muscular atrophy type 3; Cutis laxa, X-linked; Menkes kinky-hair syndrome. Last evaluated: 2022-07-06. Review status: criteria provided, single submitter. Criteria: Invitae Variant Classification Sherloc (09022015). Collection method: clinical testing. Allele origin: germline.
Comment: This sequence change replaces isoleucine, which is neutral and non-polar, with valine, which is neutral and non-polar, at codon 1318 of the ATP7A protein (p.Ile1318Val). This variant is not present in population databases (gnomAD no frequency). This variant has not been reported in the literature in individuals affected with ATP7A-related conditions. Advanced modeling of protein sequence and biophysical properties (such as structural, functional, and spatial information, amino acid conservation, physicochemical variation, residue mobility, and thermodynamic stability) performed at Invitae indicates that this missense variant is not expected to disrupt ATP7A protein function. In summary, the available evidence is currently insufficient to determine the role of this variant in disease. Therefore, it has been classified as a Variant of Uncertain Significance.